The following is an entry in ClinVar:

ClinVar aggregate classification (germline): Benign. Review status: criteria provided, multiple submitters, no conflicts (2 of 4 stars). 2 submissions from 2 submitters: Benign (2). Last evaluated 2018-06-19.

Allele frequency attached by ClinVar (database versions not stated): gnomAD 0.10274 and 0.10800; gnomAD exomes 0.06836; ESP Exome Variant Server 0.06850; ExAC 0.07059; 1000 Genomes Project 0.07308; 1000 Genomes Project 30x 0.07651; TOPMed 0.10172.
gnomAD v4.1: 133,487 of 1,612,364 alleles (8.3%); highest among the groups gnomAD compares: African/African-American, 18%; 6,600 homozygotes.

Submissions (2):

GeneDx
Classification: Benign. Last evaluated: 2018-06-19. Review status: criteria provided, single submitter. Criteria: GeneDx Variant Classification (06012015). Collection method: clinical testing. Allele origin: germline. Affected: yes.
Comment: This variant is considered likely benign or benign based on one or more of the following criteria: it is a conservative change, it occurs at a poorly conserved position in the protein, it is predicted to be benign by multiple in silico algorithms, and/or has population frequency not consistent with disease.

Breakthrough Genomics
Classification: Benign. Review status: criteria provided, single submitter. Criteria: ACMG Guidelines, 2015. Collection method: not provided. Allele origin: germline. Inheritance: Autosomal dominant inheritance. Affected: yes.

NM_144670.6(A2ML1):c.3934-32G>C

Gene: A2ML1 (alpha-2-macroglobulin like 1; plus strand). Cytogenetic location: 12p13.31.
Variant type: single nucleotide variant.
Coding change: c.3934-32G>C on transcript NM_144670.6 (MANE Select); 32 bases into the intron before coding-DNA position 3934, G replaced by C.
Molecular consequence: intron variant.
Genome position (GRCh38, 1-based): chr12:8,868,198, G>C. VCF-style: chr12-8868198-G-C. GRCh37 (hg19) VCF-style: chr12-9020794-G-C.
Other names: c.2461-32G>C (NM_001282424.3).
Identifiers: ClinVar variation 561612 (VCV000561612.2), dbSNP rs77655847, ClinGen allele CA6436526.